The following is an entry in ClinVar:

ClinVar aggregate classification (germline): Conflicting classifications of pathogenicity. Review status: criteria provided, conflicting classifications (1 of 4 stars). 3 submissions from 3 submitters: Uncertain significance (2); Likely benign (1). Last evaluated 2025-10-01.

Conditions:
Inborn genetic diseases. Identifiers: MedGen C0950123, MeSH D030342.

gnomAD v4.1: 11 of 1,614,124 alleles (0.00068%); highest among the groups gnomAD compares: South Asian, 0.0022%; no homozygotes.

Submissions (3):

CeGaT Center for Human Genetics Tuebingen
Classification: Likely benign. Last evaluated: 2025-10-01. Review status: criteria provided, single submitter. Criteria: CeGaT Center For Human Genetics Tuebingen Variant Classification Criteria Version 2. Collection method: clinical testing. Allele origin: germline. Affected: yes. Observed: 1 variant allele.
Comment: ADNP: BP5

Ambry Genetics
Classification: Uncertain significance for Inborn genetic diseases. Last evaluated: 2025-08-21. Review status: criteria provided, single submitter. Criteria: Ambry Variant Classification Scheme 2023. Collection method: clinical testing. Allele origin: germline.

Clinical Genetics Laboratory, Skane University Hospital Lund
Classification: Uncertain significance. Last evaluated: 2022-05-27. Review status: criteria provided, single submitter. Criteria: ACMG Guidelines, 2015. Collection method: clinical testing. Allele origin: germline. Affected: yes.

NM_001282531.3(ADNP):c.518G>A (p.Arg173Gln)

Gene: ADNP (activity dependent neuroprotector homeobox; minus strand). Cytogenetic location: 20q13.13.
Variant type: single nucleotide variant.
Coding change: c.518G>A on transcript NM_001282531.3 (MANE Select); coding-DNA position 518, G replaced by A.
Protein change: p.Arg173Gln; replaces arginine 173 with glutamine.
Molecular consequence: missense variant.
Genome position (GRCh38, 1-based): chr20:50,894,196, C>T on the plus strand (G>A on the coding strand, the complement: ADNP is on the minus strand). VCF-style: chr20-50894196-C-T. GRCh37 (hg19) VCF-style: chr20-49510733-C-T.
Other names: c.518G>A, p.Arg173Gln (NM_001282532.2, NM_001347511.2, NM_015339.5 and 1 more transcripts); c.518G>A (NM_015339.2); short protein forms R173Q.
Identifiers: ClinVar variation 3336996 (VCV003336996.8).